The following is an entry in ClinVar:

NM_000048.4(ASL):c.461T>C (p.Leu154Pro)

Gene: ASL (argininosuccinate lyase; plus strand). Cytogenetic location: 7q11.21.
Variant type: single nucleotide variant.
Coding change: c.461T>C on transcript NM_000048.4 (MANE Select); coding-DNA position 461, T replaced by C.
Protein change: p.Leu154Pro; replaces leucine 154 with proline.
Molecular consequence: missense variant.
Genome position (GRCh38, 1-based): chr7:66,086,599, T>C. VCF-style: chr7-66086599-T-C. GRCh37 (hg19) VCF-style: chr7-65551586-T-C.
Other names: c.461T>C, p.Leu154Pro (NM_001024943.2, NM_001024944.2, NM_001024946.2); short protein forms L154P.
Identifiers: ClinVar variation 224973 (VCV000224973.2), dbSNP rs869312988, ClinGen allele CA357213.

ClinVar aggregate classification (germline): Pathogenic/Likely pathogenic. Review status: criteria provided, multiple submitters, no conflicts (2 of 4 stars). 2 submissions from 2 submitters: Pathogenic (1); Likely pathogenic (1). Last evaluated 2025-10-17.

Conditions:
Argininosuccinate lyase deficiency. Also called: Argininosuccinic aciduria; ARGININOSUCCINIC ACID LYASE DEFICIENCY; ASL DEFICIENCY. Identifiers: Orphanet 23, MedGen C0268547, MONDO:0008815, OMIM 207900, HP:0025630.

Allele frequency attached by ClinVar (database versions not stated): gnomAD exomes below 0.00001.
gnomAD v4.1: 4 of 1,613,894 alleles (0.00025%); highest among the groups gnomAD compares: Non-Finnish European, 0.00034%; no homozygotes.

Submissions (2):

Natera, Inc.
Classification: Likely pathogenic for Argininosuccinate lyase deficiency. Last evaluated: 2025-10-17. Review status: criteria provided, single submitter. Criteria: Natera Variant Classification Schema (03/2026). Collection method: clinical testing. Allele origin: germline.
Comment: The c.461T>C variant in ASL is a missense variant predicted to cause substitution of leucine to proline at amino acid 154. This variant is rare in the general population with a frequency below the threshold expected for the associated phenotype(s). This variant has been observed in one or more individuals affected with the associated recessive disease, as either homozygous or compound heterozygous with a second variant (PMID: 24166829, 38535124). Computational prediction algorithms indicate this variant is likely to affect gene or protein function. Given the available evidence, this variant is classified as Likely Pathogenic.

SNPedia
Classification: Pathogenic for Argininosuccinate lyase deficiency. Review status: criteria provided, single submitter. Criteria: Linnebank et al. (Hum Genet. 2002). Collection method: literature only. Allele origin: germline. Affected: yes.

Literature cited by the submitters: PubMed 24166829 (cited by Natera, Inc.); PubMed 38535124 (cited by Natera, Inc.).